The following is an entry in ClinVar:

NM_001379610.1(SPINK1):c.-40G>A

Gene: SPINK1 (serine peptidase inhibitor Kazal type 1; minus strand). Cytogenetic location: 5q32.
Variant type: single nucleotide variant.
Coding change: c.-40G>A on transcript NM_001379610.1 (MANE Select); 40 bases upstream of the start codon, G replaced by A.
Molecular consequence: 5 prime UTR variant.
Genome position (GRCh38, 1-based): chr5:147,831,617, C>T on the plus strand (G>A on the coding strand, the complement: SPINK1 is on the minus strand). VCF-style: chr5-147831617-C-T. GRCh37 (hg19) VCF-style: chr5-147211180-C-T.
Other names: c.-40G>A (NM_003122.4, NM_001354966.2, NM_003122.5).
Identifiers: ClinVar variation 994124 (VCV000994124.9), dbSNP rs560283989, ClinGen allele CA3494843.

ClinVar aggregate classification (germline): Uncertain significance. Review status: criteria provided, multiple submitters, no conflicts (2 of 4 stars). 2 submissions from 2 submitters: Uncertain significance (2). Last evaluated 2025-08-26.

Allele frequency attached by ClinVar (database versions not stated): gnomAD 0.00001 and 0.00002; 1000 Genomes Project 30x 0.00031; ExAC 0.00003; 1000 Genomes Project 0.00020; gnomAD exomes 0.00002.
gnomAD v4.1: 21 of 1,611,354 alleles (0.0013%); highest among the groups gnomAD compares: South Asian, 0.02%; no homozygotes.

Submissions (2):

Mayo Clinic Laboratories, Mayo Clinic
Classification: Uncertain significance. Last evaluated: 2025-08-26. Review status: criteria provided, single submitter. Criteria: ACMG Guidelines, 2015. Collection method: clinical testing. Allele origin: germline. Observed: 1 variant allele.

ARUP Laboratories, Molecular Genetics and Genomics, ARUP Laboratories
Classification: Uncertain significance. Last evaluated: 2020-02-12. Review status: criteria provided, single submitter. Criteria: ARUP Molecular Germline Variant Investigation Process. Collection method: clinical testing. Allele origin: germline.
Comment: The SPINK1 c.-40G>A variant (rs560283989), to our knowledge, is not reported in the medical literature or gene-specific databases. This variant is found on four chromosomes in the South Asian population (4/30324 alleles) in the Genome Aggregation Database. This variant is located in the 5' untranslated region and creates a novel protein translation start codon that is predicted to be as strong as the endogenous translation start site (NetStart 1.0) and may cause a frameshift, although functional studies would be required to confirm this. Given the lack of clinical and functional data, the significance of the c.-40G>A variant is uncertain at this time.

Literature cited by the submitters: PubMed 21610753 (cited by Mayo Clinic Laboratories, Mayo Clinic).